The following is an entry in ClinVar:

ClinVar aggregate classification (germline): Benign (0 of 4 stars; one submission).

Conditions:
QRICH2-related disorder. Also called: QRICH2-related condition.

Allele frequency attached by ClinVar (database versions not stated): ExAC 0.00095; 1000 Genomes Project 30x 0.00219; 1000 Genomes Project 0.00220; gnomAD 0.00257; ESP Exome Variant Server 0.00277; TOPMed 0.00280.
gnomAD v4.1: 789 of 1,612,984 alleles (0.049%); highest among the groups gnomAD compares: African/African-American, 0.85%; 9 homozygotes.

Submission:

PreventionGenetics, part of Exact Sciences
Classification: Benign for QRICH2-related condition. Last evaluated: 2019-06-18. Review status: no assertion criteria provided. Collection method: clinical testing. Allele origin: germline.
Comment: This variant is classified as benign based on ACMG/AMP sequence variant interpretation guidelines (Richards et al. 2015 PMID: 25741868, with internal and published modifications).

NM_001388453.1(QRICH2):c.4979G>A (p.Arg1660His)

Gene: QRICH2 (glutamine rich 2; minus strand). Cytogenetic location: 17q25.1.
Variant type: single nucleotide variant.
Coding change: c.4979G>A on transcript NM_001388453.1 (MANE Select); coding-DNA position 4979, G replaced by A.
Protein change: p.Arg1660His; replaces arginine 1660 with histidine.
Molecular consequence: missense variant. On other transcripts: non-coding transcript variant (1).
Genome position (GRCh38, 1-based): chr17:76,278,127, C>T on the plus strand (G>A on the coding strand, the complement: QRICH2 is on the minus strand). VCF-style: chr17-76278127-C-T. GRCh37 (hg19) VCF-style: chr17-74274208-C-T.
Other names: c.4979G>A, p.Arg1660His (NM_032134.3); short protein forms R1660H.
Identifiers: ClinVar variation 3034373 (VCV003034373.2), dbSNP rs144208097, ClinGen allele CA8783286.
Genomic context (GRCh38, chr17:76,278,127, plus strand): 5'-CCGAAGTGGATCTGCACCTTCTCAATGTTCATCAGCATCTTGGAGTGCATGGAGCGCAGG[C>T]GCCCCACGCTCTGCTCCATCTGCGCCAGGTCACCCCGAGGGAAGGCGCTGCCCAGCTTGA-3'
Protein context (NP_001375382.1, residues 1650-1670): DLAQMEQSVG[Arg1660His]LRSMHSKMLM